The following is an entry in ClinVar:

NM_007294.4(BRCA1):c.2728del (p.Gln910fs)

Gene: BRCA1 (BRCA1 DNA repair associated; minus strand). Cytogenetic location: 17q21.31.
Variant type: Deletion.
Coding change: c.2728del on transcript NM_007294.4 (MANE Select); coding-DNA position 2728, one base deleted (C; older notation c.2728delC).
Protein change: p.Gln910fs; shifts the reading frame from glutamine 910.
Molecular consequence: frameshift variant. On other transcripts: intron variant (137).
Genome position (GRCh38, 1-based): chr17:43,092,803, G deleted on the plus strand (C on the coding strand, the reverse complement: BRCA1 is on the minus strand). VCF-style (leftmost placement, unchanged base first): chr17-43092802-TG-T. GRCh37 (hg19) VCF-style: chr17-41244819-TG-T.
Other names: c.2728del, p.Gln910fs (NM_007300.4, NM_001407581.1, NM_001407582.1 and 30 more transcripts); c.647-1771del (NM_001408458.1, NM_001408469.1, NM_001408453.1 and 11 more transcripts); c.284-1771del (NM_001408512.1); c.407-1771del (NM_001408510.1); c.644-1771del (NM_001408470.1, NM_001408464.1, NM_001408468.1 and 3 more transcripts); c.785-1771del (NM_001408397.1, NM_001408401.1, NM_001408396.1 and 13 more transcripts); c.665-1771del (NM_001408436.1, NM_001408444.1, NM_001408438.1 and 12 more transcripts); c.788-1771del (NM_001407980.1, NM_001407993.1, NM_001407976.1 and 17 more transcripts); and 41 more; short protein forms Q910fs, Q863fs, Q614fs, Q821fs, Q868fs, Q884fs, Q742fs, Q798fs.
Identifiers: ClinVar variation 54663 (VCV000054663.13), dbSNP rs397509005, ClinGen allele CA001799.

ClinVar aggregate classification (germline): Pathogenic. Review status: reviewed by expert panel (3 of 4 stars). 5 submissions from 5 submitters: Pathogenic (1). 4 of the submissions do not count toward it. Last evaluated 2016-09-08.

Conditions:
Hereditary cancer-predisposing syndrome. Also called: Tumor predisposition; Neoplastic Syndromes, Hereditary; Hereditary Cancer Syndrome; Hereditary neoplastic syndrome. Identifiers: Orphanet 140162, MedGen C0027672, MeSH D009386, MONDO:0015356.
Hereditary breast ovarian cancer syndrome. Also called: Hereditary breast and ovarian cancer syndrome (HBOC); Hereditary breast and ovarian cancer syndrome; Hereditary breast and ovarian cancer; Hereditary breast and/or ovarian cancer syndrome; Breast and ovarian cancer; BRCA1- and BRCA2-Associated Hereditary Breast and Ovarian Cancer. Identifiers: Orphanet 145, MedGen C0677776, MeSH D061325, MONDO:0003582. Disease mechanism: loss of function.
Breast-ovarian cancer, familial, susceptibility to, 1 (BROVCA1). Also called: OVARIAN CANCER, SUSCEPTIBILITY TO; BRCA1 Hereditary Breast and Ovarian Cancer. Identifiers: Orphanet 145, MedGen C2676676, MONDO:0011450, OMIM 604370. Disease mechanism: loss of function.

Submissions (5):

Evidence-based Network for the Interpretation of Germline Mutant Alleles (ENIGMA)
Classification: Pathogenic for Breast-ovarian cancer, familial, susceptibility to, 1. Last evaluated: 2016-09-08. Review status: reviewed by expert panel. Criteria: ENIGMA BRCA1/2 Classification Criteria (2015). Collection method: curation. Allele origin: germline.
Comment: Variant allele predicted to encode a truncated non-functional protein.

Ambry Genetics
Classification: Pathogenic for Hereditary cancer-predisposing syndrome. Last evaluated: 2021-06-23. Review status: criteria provided, single submitter. Criteria: Ambry Variant Classification Scheme 2023. Collection method: clinical testing. Allele origin: germline. Not counted in ClinVar's aggregate classification.
Comment: The c.2728delC pathogenic mutation, located in coding exon 9 of the BRCA1 gene, results from a deletion of one nucleotide at nucleotide position 2728, causing a translational frameshift with a predicted alternate stop codon (p.Q910Kfs*90). This alteration was identified in a large, worldwide study of BRCA1/2 mutation positive families (Rebbeck TR et al. Hum. Mutat., 2018 05;39:593-620). In addition to the clinical data presented in the literature, this alteration is expected to result in loss of function by premature protein truncation or nonsense-mediated mRNA decay. As such, this alteration is interpreted as a disease-causing mutation.

Color Diagnostics, LLC DBA Color Health
Classification: Pathogenic for Hereditary cancer-predisposing syndrome. Last evaluated: 2020-12-29. Review status: criteria provided, single submitter. Criteria: ACMG Guidelines, 2015. Collection method: clinical testing. Allele origin: germline. Not counted in ClinVar's aggregate classification.
Comment: This variant deletes 1 nucleotide in exon 10 of the BRCA1 gene, creating a frameshift and premature translation stop signal. This variant is expected to result in an absent or non-functional protein product. This variant has been reported in an individual affected with ovarian cancer (PMID: 31742824) and at least one suspected hereditary breast and ovarian cancer family (PMID: 18403564, 29446198, 32614418). This variant has not been identified in the general population by the Genome Aggregation Database (gnomAD). Loss of BRCA1 function is a known mechanism of disease. Based on the available evidence, this variant is classified as Pathogenic.

Women's Health and Genetics/Laboratory Corporation of America, LabCorp
Classification: Likely pathogenic for Hereditary breast and ovarian cancer syndrome. Last evaluated: 2017-12-04. Review status: criteria provided, single submitter. Criteria: LabCorp Variant Classification Summary - May 2015. Collection method: clinical testing. Allele origin: germline. Not counted in ClinVar's aggregate classification.
Comment: Variant summary: The BRCA1 c.2728delC (p.Gln910LysfsX90) variant results in a premature termination codon, predicted to cause a truncated or absent BRCA1 protein due to nonsense mediated decay, which are commonly known mechanisms for disease. Truncations downstream of this position have been classified as pathogenic by our laboratory (e.g., c.2766delA [p.Val923fsX77] and c.2806_2809delGATA [p.Asp936fsX63]). One in silico tool predicts a damaging outcome for this variant. This variant is absent in 245542 control chromosomes, but has been identified in at least 2 HBOC patients reported in the literature (De Leeneer_2011; Michils_2012). In addition, multiple clinical diagnostic laboratories/reputable databases classified this variant as pathogenic. Taken together, this variant is classified as likely pathogenic.

Consortium of Investigators of Modifiers of BRCA1/2 (CIMBA), c/o University of Cambridge
Classification: Pathogenic for Breast-ovarian cancer, familial, susceptibility to, 1. Last evaluated: 2015-10-02. Review status: criteria provided, single submitter. Criteria: CIMBA Mutation Classification guidelines May 2016. Collection method: clinical testing. Allele origin: germline. Not counted in ClinVar's aggregate classification.

Literature cited by the submitters: PubMed 18403564 (cited by Ambry Genetics and Women's Health and Genetics/Laboratory Corporation of America, LabCorp); PubMed 21305653 (cited by Ambry Genetics and Women's Health and Genetics/Laboratory Corporation of America, LabCorp); PubMed 23034506 (cited by Ambry Genetics and Women's Health and Genetics/Laboratory Corporation of America, LabCorp); PubMed 29446198 (cited by Ambry Genetics).